The following is an entry in ClinVar:

NM_003070.5(SMARCA2):c.1347+16dup

Gene: SMARCA2 (SWI/SNF related BAF chromatin remodeling complex subunit ATPase 2; plus strand). Cytogenetic location: 9p24.3.
Variant type: Duplication.
Coding change: c.1347+16dup on transcript NM_003070.5 (MANE Select); 16 bases into the intron after coding-DNA position 1347, one base duplicated (G; older notation c.1347+16dupG).
Molecular consequence: intron variant.
Genome position (GRCh38, 1-based): chr9:2,056,861, G duplicated; the last of 3 consecutive G bases (chr9:2,056,859-2,056,861); duplicating any one gives the same sequence. VCF-style (leftmost placement, unchanged base first): chr9-2056858-T-TG. GRCh37 (hg19) VCF-style: chr9-2056858-T-TG.
Other names: c.1347+16dup (NM_139045.4, NM_001289397.2, NM_001289396.2).
Identifiers: ClinVar variation 2431575 (VCV002431575.1), dbSNP rs2537267654, ClinGen allele CA2580080176.
Genomic context (GRCh38, chr9:2,056,858, plus strand): 5'-AAGCAGCAGAAGATTGAGCAGGAGAGGAAACGCCGTCAGAAACACCAGGTTCTTAGACCC[T>TG]GGGCTTTGCTCACCCTCACTTTGGCAGAGCTGTCCAATGAATTCATCAAATGGGGTCAGA-3'

ClinVar aggregate classification (germline): Uncertain significance (1 of 4 stars; one submission).

Conditions:
Nicolaides-Baraitser syndrome (NCBRS). Also called: Intellectual disability-sparse hair-brachydactyly syndrome; SMARCA2-Related Nicolaides-Baraitser Syndrome. Identifiers: Orphanet 3051, MedGen C1303073, MONDO:0011053, OMIM 601358.

Submission:

Laboratorio de Genetica e Diagnostico Molecular, Hospital Israelita Albert Einstein
Classification: Uncertain significance for Nicolaides-Baraitser syndrome. Last evaluated: 2023-02-10. Review status: criteria provided, single submitter. Criteria: ACMG Guidelines, 2015. Collection method: clinical testing. Allele origin: germline. Affected: yes. Observed: 1 variant allele.
Comment: ACMG classification criteria: PM2 moderated, BP4 supporting